The following is an entry in ClinVar:

NM_003640.5(ELP1):c.382A>G (p.Thr128Ala)

Gene: ELP1 (elongator acetyltransferase complex subunit 1; minus strand). Cytogenetic location: 9q31.3.
Variant type: single nucleotide variant.
Coding change: c.382A>G on transcript NM_003640.5 (MANE Select); coding-DNA position 382, A replaced by G.
Protein change: p.Thr128Ala; replaces threonine 128 with alanine.
Molecular consequence: missense variant. On other transcripts: 5 prime UTR variant (1).
Genome position (GRCh38, 1-based): chr9:108,927,375, T>C on the plus strand (A>G on the coding strand, the complement: ELP1 is on the minus strand). VCF-style: chr9-108927375-T-C. GRCh37 (hg19) VCF-style: chr9-111689655-T-C.
Other names: c.382A>G (NM_003640.3, NM_003640.4); c.40A>G, p.Thr14Ala (NM_001318360.2); c.-478A>G (NM_001330749.2); short protein forms T14A, T128A.
Identifiers: ClinVar variation 1387653 (VCV001387653.8), dbSNP rs774585995, ClinGen allele CA5175386.

ClinVar aggregate classification (germline): Uncertain significance. Review status: criteria provided, multiple submitters, no conflicts (2 of 4 stars). 5 submissions from 5 submitters: Uncertain significance (5). Last evaluated 2025-12-15.

Conditions:
Familial dysautonomia. Also called: HSAN III; FD. Identifiers: Orphanet 1764, MedGen C0013364, MONDO:0009131, OMIM 223900. Disease mechanism: loss of function.
Medulloblastoma (MDB). Also called: Medulloblastoma, somatic; MEDULLOBLASTOMA PREDISPOSITION SYNDROME. Identifiers: Orphanet 616, MedGen C0025149, MeSH D008527, MONDO:0007959, OMIM 155255, HP:0002885.

Allele frequency attached by ClinVar (database versions not stated): ExAC 0.00001; gnomAD exomes 0.00002; TOPMed 0.00003.
gnomAD v4.1: 7 of 1,612,514 alleles (0.00043%); highest among the groups gnomAD compares: Admixed American, 0.005%; no homozygotes.

Submissions (5):

Ambry Genetics
Classification: Uncertain significance. Last evaluated: 2025-12-15. Review status: criteria provided, single submitter. Criteria: Ambry Variant Classification Scheme 2023. Collection method: clinical testing. Allele origin: germline.

GeneDx
Classification: Uncertain significance. Last evaluated: 2024-06-07. Review status: criteria provided, single submitter. Criteria: GeneDx Variant Classification Process June 2021. Collection method: clinical testing. Allele origin: germline. Affected: yes.
Comment: Not observed at significant frequency in large population cohorts (gnomAD); In silico analysis supports that this missense variant has a deleterious effect on protein structure/function; Has not been previously published as pathogenic or benign to our knowledge

Fulgent Genetics
Classification: Uncertain significance for Medulloblastoma; Familial dysautonomia. Last evaluated: 2024-03-22. Review status: criteria provided, single submitter. Criteria: ACMG Guidelines, 2015. Collection method: clinical testing. Allele origin: germline.

St. Jude Molecular Pathology, St. Jude Children's Research Hospital
Classification: Uncertain significance for Medulloblastoma. Last evaluated: 2022-12-07. Review status: criteria provided, single submitter. Criteria: St. Jude Assertion Criteria 2020. Collection method: clinical testing. Allele origin: germline.
Comment: The ELP1 c.382A>G (p.Thr128Ala) missense change has a maximum subpopulation frequency of 0.0087% in gnomAD v2.1.1. The in silico tool REVEL is inconclusive about a pathogenic or benign effect of this variant on protein function, and to our knowledge functional studies have not been performed. To our knowledge, this variant has not been reported in individuals with a personal or family history of medulloblastoma. In summary, the evidence currently available is insufficient to determine the clinical significance of this variant. It has therefore been classified as of uncertain significance.

Labcorp Genetics (formerly Invitae), Labcorp
Classification: Uncertain significance. Last evaluated: 2021-09-01. Review status: criteria provided, single submitter. Criteria: Invitae Variant Classification Sherloc (09022015). Collection method: clinical testing. Allele origin: germline.
Comment: This sequence change replaces threonine with alanine at codon 128 of the ELP1 protein (p.Thr128Ala). The threonine residue is highly conserved and there is a small physicochemical difference between threonine and alanine. This variant is present in population databases (rs774585995, ExAC 0.002%). This variant has not been reported in the literature in individuals affected with ELP1-related conditions. Algorithms developed to predict the effect of missense changes on protein structure and function are either unavailable or do not agree on the potential impact of this missense change (SIFT: "Tolerated"; PolyPhen-2: "Probably Damaging"; Align-GVGD: "Class C0"). In summary, the available evidence is currently insufficient to determine the role of this variant in disease. Therefore, it has been classified as a Variant of Uncertain Significance.